The following is an entry in ClinVar:

ClinVar aggregate classification (germline): Uncertain significance (1 of 4 stars; one submission).

gnomAD v4.1: 2 of 1,613,926 alleles (0.00012%); highest among the groups gnomAD compares: Non-Finnish European, 0.00017%; no homozygotes.

Submission:

GeneDx
Classification: Uncertain significance. Last evaluated: 2026-03-05. Review status: criteria provided, single submitter. Criteria: GeneDx Variant Classification Process June 2021. Collection method: clinical testing. Allele origin: germline.
Comment: Not observed at significant frequency in large population cohorts (gnomAD); In silico analysis suggests that this missense variant does not alter protein structure/function; Has not been previously published as pathogenic or benign to our knowledge

NM_006940.6(SOX5):c.2276C>T (p.Ala759Val)

Gene: SOX5 (SRY-box transcription factor 5; minus strand). Cytogenetic location: 12p12.1.
Variant type: single nucleotide variant.
Coding change: c.2276C>T on transcript NM_006940.6 (MANE Select); coding-DNA position 2276, C replaced by T.
Protein change: p.Ala759Val; replaces alanine 759 with valine.
Molecular consequence: missense variant.
Genome position (GRCh38, 1-based): chr12:23,534,235, G>A on the plus strand (C>T on the coding strand, the complement: SOX5 is on the minus strand). VCF-style: chr12-23534235-G-A. GRCh37 (hg19) VCF-style: chr12-23687169-G-A.
Other names: c.1913C>T, p.Ala638Val (NM_001261414.3); c.2246C>T, p.Ala749Val (NM_001261415.3); c.2171C>T, p.Ala724Val (NM_001330785.2); c.2237C>T, p.Ala746Val (NM_152989.5); c.1118C>T, p.Ala373Val (NM_178010.4); short protein forms A373V, A638V, A724V, A746V, A749V, A759V.
Identifiers: ClinVar variation 4888139 (VCV004888139.1).